The following is an entry in ClinVar:

NM_005360.5(MAF):c.724del (p.Ala242fs)

Gene: MAF (MAF bZIP transcription factor; minus strand). Cytogenetic location: 16q23.2.
Variant type: Deletion.
Coding change: c.724del on transcript NM_005360.5 (MANE Select); coding-DNA position 724, one base deleted (G; older notation c.724delG).
Protein change: p.Ala242fs; shifts the reading frame from alanine 242.
Molecular consequence: frameshift variant.
Genome position (GRCh38, 1-based): chr16:79,599,179, C deleted on the plus strand (G on the coding strand, the reverse complement: MAF is on the minus strand); the first of 5 consecutive C bases (chr16:79,599,179-79,599,183); deleting any one gives the same sequence. VCF-style (leftmost placement, unchanged base first): chr16-79599178-GC-G. GRCh37 (hg19) VCF-style: chr16-79633075-GC-G.
Other names: c.724del, p.Ala242fs (NM_001031804.3); short protein forms A242fs.
Identifiers: ClinVar variation 4989157 (VCV004989157.1).
Genomic context (GRCh38, chr16:79,599,178, plus strand): 5'-GAGAAGCGGTCGTCGAAGTGCAGGCCGCCGGCGGCGTGGTGCGGGTGCAGGGCGCCCCCC[GC>G]CCCCGCCGCGCCCCCGCCGCCTCCGCCGCCGCCGCCGCCGCCGCCGCCCCCAGCGCTGGC-3'

ClinVar aggregate classification (germline): Uncertain significance (1 of 4 stars; one submission).

Conditions:
MAF-related disorder. Also called: MAF-related condition.

Submission:

PreventionGenetics, part of Exact Sciences
Classification: Uncertain significance for MAF-related condition. Last evaluated: 2026-03-13. Review status: criteria provided, single submitter. Criteria: ACMG Guidelines, 2015. Collection method: clinical testing. Allele origin: germline.
Comment: The MAF c.724delG variant is predicted to result in a frameshift and premature protein termination (p.Ala242Argfs*26). To our knowledge, this variant has not been reported in the literature or in a large population database (gnomAD), indicating this variant is rare. Loss of function is not an established mechanism of MAF-related disease. Although we suspect that this variant may be pathogenic, at this time, the clinical significance of this variant is uncertain due to the absence of conclusive functional and genetic evidence.